The following is an entry in ClinVar:

ClinVar aggregate classification (germline): Uncertain significance (1 of 4 stars; one submission).

Allele frequency attached by ClinVar (database versions not stated): TOPMed below 0.00001.

Submission:

Labcorp Genetics (formerly Invitae), Labcorp
Classification: Uncertain significance. Last evaluated: 2021-12-25. Review status: criteria provided, single submitter. Criteria: Invitae Variant Classification Sherloc (09022015). Collection method: clinical testing. Allele origin: germline.
Comment: This variant has not been reported in the literature in individuals affected with ATP13A3-related conditions. This variant is not present in population databases (gnomAD no frequency). This sequence change affects a donor splice site in intron 31 of the ATP13A3 gene. While this variant is not anticipated to result in nonsense mediated decay, it likely alters RNA splicing and results in a disrupted protein product. Variants that disrupt the consensus splice site are a relatively common cause of aberrant splicing (PMID: 17576681, 9536098). Algorithms developed to predict the effect of sequence changes on RNA splicing suggest that this variant may disrupt the consensus splice site. In summary, the available evidence is currently insufficient to determine the role of this variant in disease. Therefore, it has been classified as a Variant of Uncertain Significance.

Literature cited by the submitters: PubMed 17576681; PubMed 9536098.

NM_001367549.1(ATP13A3):c.3483+2T>C

Gene: ATP13A3 (ATPase 13A3; minus strand). Cytogenetic location: 3q29.
Variant type: single nucleotide variant.
Coding change: c.3483+2T>C on transcript NM_001367549.1 (MANE Select); the canonical splice donor site of the intron after coding-DNA position 3483, T replaced by C.
Molecular consequence: splice donor variant.
Genome position (GRCh38, 1-based): chr3:194,413,757, A>G on the plus strand (T>C on the coding strand, the complement: ATP13A3 is on the minus strand). VCF-style: chr3-194413757-A-G. GRCh37 (hg19) VCF-style: chr3-194134486-A-G.
Other names: c.3402+2T>C (NM_001374836.1); c.3483+2T>C (NM_024524.4).
Identifiers: ClinVar variation 2059630 (VCV002059630.4), dbSNP rs1715607975, ClinGen allele CA355795900.